The following is an entry in ClinVar:

ClinVar aggregate classification (germline): Uncertain significance (1 of 4 stars; one submission).

Conditions:
Familial cold autoinflammatory syndrome 3 (FCAS3). Also called: FAMILIAL ATYPICAL COLD URTICARIA; ANTIBODY DEFICIENCY AND IMMUNE DYSREGULATION, PLCG2-ASSOCIATED. Identifiers: Orphanet 300359, MedGen C3280914, MONDO:0013766, OMIM 614468.

Submission:

Labcorp Genetics (formerly Invitae), Labcorp
Classification: Uncertain significance for Familial cold autoinflammatory syndrome 3. Last evaluated: 2024-10-26. Review status: criteria provided, single submitter. Criteria: Invitae Variant Classification Sherloc (09022015). Collection method: clinical testing. Allele origin: germline.
Comment: This sequence change replaces tyrosine, which is neutral and polar, with histidine, which is basic and polar, at codon 778 of the PLCG2 protein (p.Tyr778His). This variant is not present in population databases (gnomAD no frequency). This variant has not been reported in the literature in individuals affected with PLCG2-related conditions. An algorithm developed to predict the effect of missense changes on protein structure and function (PolyPhen-2) suggests that this variant is likely to be disruptive. In summary, the available evidence is currently insufficient to determine the role of this variant in disease. Therefore, it has been classified as a Variant of Uncertain Significance.

NM_002661.5(PLCG2):c.2332T>C (p.Tyr778His)

Gene: PLCG2 (phospholipase C gamma 2; plus strand). Cytogenetic location: 16q23.3.
Variant type: single nucleotide variant.
Coding change: c.2332T>C on transcript NM_002661.5 (MANE Select); coding-DNA position 2332, T replaced by C.
Protein change: p.Tyr778His; replaces tyrosine 778 with histidine.
Molecular consequence: missense variant.
Genome position (GRCh38, 1-based): chr16:81,923,509, T>C. VCF-style: chr16-81923509-T-C. GRCh37 (hg19) VCF-style: chr16-81957114-T-C.
Other names: c.2332T>C, p.Tyr778His (NM_001425749.1, NM_001425750.1, NM_001425751.1); short protein forms Y778H.
Identifiers: ClinVar variation 3722886 (VCV003722886.2).